The following is an entry in ClinVar:

ClinVar aggregate classification (germline): Uncertain significance (1 of 4 stars; one submission).

gnomAD v4.1: 16 of 1,613,894 alleles (0.00099%); highest among the groups gnomAD compares: African/African-American, 0.0013%; no homozygotes.

Submission:

Labcorp Genetics (formerly Invitae), Labcorp
Classification: Uncertain significance. Last evaluated: 2025-06-30. Review status: criteria provided, single submitter. Criteria: Invitae Variant Classification Sherloc (09022015). Collection method: clinical testing. Allele origin: germline.
Comment: This sequence change replaces histidine, which is basic and polar, with arginine, which is basic and polar, at codon 1815 of the MGA protein (p.His1815Arg). This variant is present in population databases (rs763563388, gnomAD 0.003%). This variant has not been reported in the literature in individuals affected with MGA-related conditions. An algorithm developed to predict the effect of missense changes on protein structure and function (PolyPhen-2) suggests that this variant is likely to be tolerated. In summary, the available evidence is currently insufficient to determine the role of this variant in disease. Therefore, it has been classified as a Variant of Uncertain Significance.

NM_001400225.1(MGA):c.5591A>G (p.His1864Arg)

Gene: MGA (MAX dimerization protein MGA; plus strand). Cytogenetic location: 15q15.1.
Variant type: single nucleotide variant.
Coding change: c.5591A>G on transcript NM_001400225.1 (MANE Select); coding-DNA position 5591, A replaced by G.
Protein change: p.His1864Arg; replaces histidine 1864 with arginine.
Molecular consequence: missense variant. On other transcripts: intron variant (1).
Genome position (GRCh38, 1-based): chr15:41,748,868, A>G. VCF-style: chr15-41748868-A-G. GRCh37 (hg19) VCF-style: chr15-42041066-A-G.
Other names: c.4817A>G, p.His1606Arg (NM_001080541.3); c.5444A>G, p.His1815Arg (NM_001164273.2); c.4105-5569A>G (NM_001400242.1); short protein forms H1864R, H1815R, H1606R.
Identifiers: ClinVar variation 4769841 (VCV004769841.1).